The following is an entry in ClinVar:

ClinVar aggregate classification (germline): Uncertain significance (1 of 4 stars; one submission).

Conditions:
Kabuki syndrome 2 (KABUK2). Also called: KDM6A-Related Kabuki Syndrome. Identifiers: Orphanet 2322, MedGen C3275495, MONDO:0010465, OMIM 300867.

Submission:

Labcorp Genetics (formerly Invitae), Labcorp
Classification: Uncertain significance for Kabuki syndrome 2. Last evaluated: 2023-12-31. Review status: criteria provided, single submitter. Criteria: Invitae Variant Classification Sherloc (09022015). Collection method: clinical testing. Allele origin: germline.
Comment: This sequence change replaces serine, which is neutral and polar, with threonine, which is neutral and polar, at codon 383 of the KDM6A protein (p.Ser383Thr). This variant is not present in population databases (gnomAD no frequency). This variant has not been reported in the literature in individuals affected with KDM6A-related conditions. ClinVar contains an entry for this variant (Variation ID: 1418523). Advanced modeling of protein sequence and biophysical properties (such as structural, functional, and spatial information, amino acid conservation, physicochemical variation, residue mobility, and thermodynamic stability) performed at Invitae indicates that this missense variant is not expected to disrupt KDM6A protein function with a negative predictive value of 80%. In summary, the available evidence is currently insufficient to determine the role of this variant in disease. Therefore, it has been classified as a Variant of Uncertain Significance.

NM_001291415.2(KDM6A):c.1148G>C (p.Ser383Thr)

Gene: KDM6A (lysine demethylase 6A; plus strand). Cytogenetic location: Xp11.3.
Variant type: single nucleotide variant.
Coding change: c.1148G>C on transcript NM_001291415.2 (MANE Select); coding-DNA position 1148, G replaced by C.
Protein change: p.Ser383Thr; replaces serine 383 with threonine.
Molecular consequence: missense variant. On other transcripts: non-coding transcript variant (1).
Genome position (GRCh38, 1-based): chrX:45,059,420, G>C. VCF-style: chrX-45059420-G-C. GRCh37 (hg19) VCF-style: chrX-44918665-G-C.
Other names: c.1148G>C, p.Ser383Thr (NM_001291416.2, NM_001291417.2, NM_001291418.2 and 1 more transcripts); c.395G>C, p.Ser132Thr (NM_001291421.2); short protein forms S132T, S383T.
Identifiers: ClinVar variation 1418523 (VCV001418523.8), dbSNP rs2147962802, ClinGen allele CA412782843.
Genomic context (GRCh38, chrX:45,059,420, plus strand): 5'-AATCCTGCAACCAGCCTCAGGATGCCATTAAATGCTACTTAAATGCAACTAGAAGCAAAA[G>C]TTGTAGTAATACCTCTGCACTTGCAGCACGAATTAAGTATTTACAGGTAAAATTTTTAAA-3'
Protein context (NP_001278344.1, residues 373-393): KCYLNATRSK[Ser383Thr]CSNTSALAAR